The following is an entry in ClinVar:

ClinVar aggregate classification (germline): Pathogenic (1 of 4 stars; one submission).

Submission:

Labcorp Genetics (formerly Invitae), Labcorp
Classification: Pathogenic. Last evaluated: 2022-07-15. Review status: criteria provided, single submitter. Criteria: Invitae Variant Classification Sherloc (09022015). Collection method: clinical testing. Allele origin: germline.
Comment: This variant disrupts a region of the ARID1B protein in which other variant(s) (p.Ser2311*) have been determined to be pathogenic (PMID: 31981384). p.Ser2311* is also known as p.Ser2228*.This suggests that this is a clinically significant region of the protein, and that variants that disrupt it are likely to be disease-causing. For these reasons, this variant has been classified as Pathogenic. This variant has not been reported in the literature in individuals affected with ARID1B-related conditions. This variant is not present in population databases (gnomAD no frequency). This sequence change creates a premature translational stop signal (p.Thr2251Serfs*22) in the ARID1B gene. While this is not anticipated to result in nonsense mediated decay, it is expected to disrupt the last 82 amino acid(s) of the ARID1B protein.

Literature cited by the submitters: PubMed 31981384.

NM_001374828.1(ARID1B):c.6872_6881del (p.Thr2291fs)

Gene: ARID1B (AT-rich interaction domain 1B; plus strand). Cytogenetic location: 6q25.3.
Variant type: Deletion.
Coding change: c.6872_6881del on transcript NM_001374828.1 (MANE Select); coding-DNA positions 6872 to 6881, 10 bases deleted (CGATGGCCCA; older notation c.6872_6881delCGATGGCCCA).
Protein change: p.Thr2291fs; shifts the reading frame from threonine 2291.
Molecular consequence: frameshift variant.
Genome position (GRCh38, 1-based): chr6:157,207,644-157,207,653, CGATGGCCCA deleted; deleting any 10 consecutive bases within chr6:157,207,642-157,207,653 gives the same sequence; the c. name uses the placement nearest the transcript's 3' end. VCF-style (leftmost placement, unchanged base first): chr6-157207641-TCACGATGGCC-T. GRCh37 (hg19) VCF-style: chr6-157528775-TCACGATGGCC-T.
Other names: c.6623_6632delCGATGGCCCA, p.Thr2208Serfs (NM_001346813.1); c.4373_4382del, p.Thr1458fs (NM_001363725.2); c.6752_6761del, p.Thr2251fs (NM_001371656.1, NM_001374820.1); c.6713_6722del, p.Thr2238fs (NM_017519.3); c.6503_6512delCGATGGCCCA, p.Thr2168Serfs (NM_020732.3); c.6290_6299delCGATGGCCCA, p.Thr2097Serfs (NM_175863.2); short protein forms T1458fs, T2238fs, T2251fs, T2291fs.
Identifiers: ClinVar variation 2017513 (VCV002017513.4), dbSNP rs2538792125, ClinGen allele CA2580075284.
Genomic context (GRCh38, chr6:157,207,641, plus strand): 5'-GGGCCATAGCTGTGCAGAAAGGAAGCATTGGAAACTTGATAAGCTTCCTAGAGGATGGGG[TCACGATGGCC>T]CAGTACCAGCAGAGCCAGCACAACCTCATGCACATGCAGCCCCCGCCCCTGGAACCACCT-3'